The following is an entry in ClinVar:

ClinVar aggregate classification (germline): Conflicting classifications of pathogenicity. Review status: criteria provided, conflicting classifications (1 of 4 stars). 4 submissions from 4 submitters: Likely pathogenic (1); Uncertain significance (3). Last evaluated 2024-12-02.

Conditions:
Joubert syndrome 1 (JBTS1). Also called: CEREBELLOPARENCHYMAL DISORDER IV; Cerebellooculorenal syndrome 1. Identifiers: MedGen C4551568, MONDO:0008944, OMIM 213300.
Joubert syndrome. Also called: JOUBERT-BOLTSHAUSER SYNDROME; Familial aplasia of the vermis. Identifiers: Orphanet 475, MedGen C5979921, MONDO:0018772.

Allele frequency attached by ClinVar (database versions not stated): gnomAD 0.00002; TOPMed 0.00002; gnomAD exomes 0.00003 and 0.00004; ExAC 0.00005; ESP Exome Variant Server 0.00008.
gnomAD v4.1: 44 of 1,554,222 alleles (0.0028%); highest among the groups gnomAD compares: South Asian, 0.0059%; no homozygotes.

Submissions (4):

Labcorp Genetics (formerly Invitae), Labcorp
Classification: Uncertain significance for Joubert syndrome. Last evaluated: 2024-12-02. Review status: criteria provided, single submitter. Criteria: Invitae Variant Classification Sherloc (09022015). Collection method: clinical testing. Allele origin: germline.
Comment: This sequence change falls in intron 8 of the INPP5E gene. It does not directly change the encoded amino acid sequence of the INPP5E protein. This variant is present in population databases (rs372545147, gnomAD 0.01%). This variant has been observed in individuals with retinitis pigmentosa (internal data). ClinVar contains an entry for this variant (Variation ID: 931901). Algorithms developed to predict the effect of sequence changes on RNA splicing suggest that this variant may disrupt the consensus splice site. In summary, the available evidence is currently insufficient to determine the role of this variant in disease. Therefore, it has been classified as a Variant of Uncertain Significance.

Blueprint Genetics
Classification: Uncertain significance. Last evaluated: 2024-02-27. Review status: criteria provided, single submitter. Criteria: ACMG Guidelines, 2015. Collection method: clinical testing. Allele origin: germline.

Pittsburgh Clinical Genomics Laboratory, University of Pittsburgh Medical Center
Classification: Likely pathogenic for Joubert syndrome 1. Last evaluated: 2023-10-09. Review status: criteria provided, single submitter. Criteria: ACMG Guidelines, 2015. Collection method: clinical testing. Allele origin: germline. Inheritance: Autosomal recessive inheritance. Affected: yes.
Comment: This sequence variant is a single nucleotide substitution (A>G) 12 bases prior to the start of exon 9 of the INPP5E gene. This is a previously reported variant (ClinVar 931901) that has been observed in a dataset of individuals affected by a ciliopathy and their unaffected relatives (PMID: 35304488). This variant is present in 3 of 152214 alleles (0.002%) in the gnomAD v3.1.2 population dataset. Bioinformatic tools predict that this variant will disrupt the splice acceptor, and RNA-seq data indicate that this variant creates a novel exon 9 acceptor splice site that generates a premature termination signal in 44% of the examined mRNA molecules (PMID: 35304488). Based upon the evidence, we consider this a likely pathogenic variant. ACMG Criteria: PM2, PM3, PP3, PS3

Centre for Mendelian Genomics, University Medical Centre Ljubljana
Classification: Uncertain significance for Joubert syndrome 1. Last evaluated: 2020-04-01. Review status: criteria provided, single submitter. Criteria: ACMG Guidelines, 2015. Collection method: clinical testing. Allele origin: unknown. Affected: yes.
Comment: This variant was classified as: Uncertain significance. The available evidence on this variant's pathogenicity is insufficient or conflicting. The following ACMG criteria were applied in classifying this variant: PM2,PP3.

Literature cited by the submitters: PubMed 35304488 (cited by Pittsburgh Clinical Genomics Laboratory, University of Pittsburgh Medical Center).

NM_019892.6(INPP5E):c.1666-12A>G

Gene: INPP5E (inositol polyphosphate-5-phosphatase E; minus strand). Cytogenetic location: 9q34.3.
Variant type: single nucleotide variant.
Coding change: c.1666-12A>G on transcript NM_019892.6 (MANE Select); 12 bases into the intron before coding-DNA position 1666, A replaced by G.
Molecular consequence: intron variant.
Genome position (GRCh38, 1-based): chr9:136,430,425, T>C on the plus strand (A>G on the coding strand, the complement: INPP5E is on the minus strand). VCF-style: chr9-136430425-T-C. GRCh37 (hg19) VCF-style: chr9-139324877-T-C.
Other names: c.1663-12A>G (NM_001318502.2).
Identifiers: ClinVar variation 931901 (VCV000931901.11), dbSNP rs372545147, ClinGen allele CA5336685.
Genomic context (GRCh38, chr9:136,430,425, plus strand): 5'-TCACAGGACAGATGTCACCCTTGTGGCGGCTTCTGTACAAGACGCGGTCCTTTGGGAAGA[T>C]TGCAGAGGCAGGAGGTCCAGTTACTTGTGAGGAGCCGTGGGGCGTGGCCCGCTCACCTCC-3'